The following is an entry in ClinVar:

NM_001366385.1(CARD14):c.1659C>T (p.Ser553=)

Gene: CARD14 (caspase recruitment domain family member 14; plus strand). Cytogenetic location: 17q25.3.
Variant type: single nucleotide variant.
Coding change: c.1659C>T on transcript NM_001366385.1 (MANE Select); coding-DNA position 1659, C replaced by T.
Protein change: p.Ser553=; no amino-acid change (serine 553 retained).
Molecular consequence: synonymous variant. On other transcripts: non-coding transcript variant (1).
Genome position (GRCh38, 1-based): chr17:80,198,399, C>T. VCF-style: chr17-80198399-C-T. GRCh37 (hg19) VCF-style: chr17-78172198-C-T.
Other names: c.1659C>T, p.Ser553= (NM_001257970.1, NM_024110.4); c.948C>T, p.Ser316= (NM_052819.3).
Identifiers: ClinVar variation 527881 (VCV000527881.41), dbSNP rs139274935, ClinGen allele CA8816939.

ClinVar aggregate classification (germline): Benign/Likely benign. Review status: criteria provided, multiple submitters, no conflicts (2 of 4 stars). 5 submissions from 5 submitters: Benign (1); Likely benign (4). Last evaluated 2026-03-01.

Conditions:
Autoinflammatory syndrome. Identifiers: Orphanet 93665, MedGen C3890737, MONDO:0019751.
Pityriasis rubra pilaris (PRP). Also called: Pityriasis rubra pilaris--familial type. Identifiers: Orphanet 2897, MedGen C0032027, MONDO:0100017, OMIM 173200, MONDO:0008251.
Psoriasis 2. Identifiers: MedGen C1864497, MONDO:0011269, OMIM 602723.

Allele frequency attached by ClinVar (database versions not stated): 1000 Genomes Project 0.00020; gnomAD 0.00036; ExAC 0.00043; 1000 Genomes Project 30x 0.00047; gnomAD exomes 0.00049 and 0.00054; TOPMed 0.00049; ESP Exome Variant Server 0.00054.
gnomAD v4.1: 839 of 1,597,498 alleles (0.053%); highest among the groups gnomAD compares: Non-Finnish European, 0.053%; 2 homozygotes.

Submissions (5):

CeGaT Center for Human Genetics Tuebingen
Classification: Likely benign. Last evaluated: 2026-03-01. Review status: criteria provided, single submitter. Criteria: CeGaT Center For Human Genetics Tuebingen Variant Classification Criteria Version 2. Collection method: clinical testing. Allele origin: germline. Affected: yes. Observed: 3 variant alleles.
Comment: CARD14: BP4, BP7

Women's Health and Genetics/Laboratory Corporation of America, LabCorp
Classification: Benign. Last evaluated: 2026-01-30. Review status: criteria provided, single submitter. Criteria: LabCorp Variant Classification Summary - May 2015. Collection method: clinical testing. Allele origin: germline.
Comment: Variant summary: CARD14 c.1659C>T (p.Ser553Ser) alters a nucleotide located close to a canonical splice site and therefore could affect mRNA splicing, leading to a significantly altered protein sequence. Consensus agreement among computation tools predict no significant impact on normal splicing. However, these predictions have yet to be confirmed by functional studies. The variant allele was found at a frequency of 0.00049 in 240834 control chromosomes. The observed variant frequency exceeds the estimated maximal expected allele frequency for disease-causing variants in CARD14. To our knowledge, no occurrence of c.1659C>T in individuals affected with CARD14-related conditions and no experimental evidence demonstrating its impact on protein function have been reported. ClinVar contains an entry for this variant (Variation ID: 527881). Based on the evidence outlined above, the variant was classified as benign.

Labcorp Genetics (formerly Invitae), Labcorp
Classification: Likely benign for Pityriasis rubra pilaris; Psoriasis 2. Last evaluated: 2026-01-24. Review status: criteria provided, single submitter. Criteria: Invitae Variant Classification Sherloc (09022015). Collection method: clinical testing. Allele origin: germline.

Blueprint Genetics
Classification: Likely benign. Last evaluated: 2024-11-14. Review status: criteria provided, single submitter. Criteria: ACMG Guidelines, 2015. Collection method: clinical testing. Allele origin: germline.

Genome Diagnostics Laboratory, The Hospital for Sick Children
Classification: Likely benign for Autoinflammatory syndrome. Last evaluated: 2021-02-23. Review status: criteria provided, single submitter. Criteria: ACMG Guidelines, 2015. Collection method: clinical testing. Allele origin: germline. Affected: yes.